The following is an entry in ClinVar:

NM_000141.5(FGFR2):c.696A>G (p.Val232=)

Gene: FGFR2 (fibroblast growth factor receptor 2; minus strand). Cytogenetic location: 10q26.13.
Variant type: single nucleotide variant.
Coding change: c.696A>G on transcript NM_000141.5 (MANE Select); coding-DNA position 696, A replaced by G.
Protein change: p.Val232=; no amino-acid change (valine 232 retained).
Molecular consequence: synonymous variant. On other transcripts: non-coding transcript variant (1).
Genome position (GRCh38, 1-based): chr10:121,538,644, T>C on the plus strand (A>G on the coding strand, the complement: FGFR2 is on the minus strand). VCF-style: chr10-121538644-T-C. GRCh37 (hg19) VCF-style: chr10-123298158-T-C.
Other names: p.Val232=; c.696A>G, p.Val232= (NM_001144913.1, NM_001144914.1, NM_001144917.2 and 2 more transcripts); c.429A>G, p.Val143= (NM_001144915.2, NM_001144919.2, NM_023029.3); c.351A>G, p.Val117= (NM_001144916.2, NM_001144918.2).
Identifiers: ClinVar variation 255319 (VCV000255319.24), dbSNP rs1047100, ClinGen allele CA5721070.

ClinVar aggregate classification (germline): Benign. Review status: criteria provided, multiple submitters, no conflicts (2 of 4 stars). 14 submissions from 10 submitters: Benign (12). 2 of the submissions do not count toward it. Last evaluated 2026-05-08.

Conditions:
FGFR2-related craniosynostosis. Identifiers: MedGen CN231480.
Craniosynostosis syndrome. Also called: Craniosynostosis. Identifiers: Orphanet 1531, MedGen C0010278, MeSH D003398, MONDO:0015469, HP:0001363.
Isolated Coronal Synostosis. Identifiers: MedGen CN043619.
Crouzon syndrome. Also called: Craniofacial dysostosis type 1; Crouzon craniofacial dysostosis; Crouzon disease; Craniofacial dysostosis; CRANIOFACIAL DYSOSTOSIS, TYPE I. Identifiers: Orphanet 207, MedGen C0010273, MeSH D003394, MONDO:0007405, OMIM 123500, HP:0004439.
Beare-Stevenson cutis gyrata syndrome (BSTVS). Identifiers: Orphanet 1555, MedGen C1852406, MONDO:0007412, OMIM 123790.
Saethre-Chotzen syndrome (SCS). Also called: ACROCEPHALY, SKULL ASYMMETRY, AND MILD SYNDACTYLY; ACS III; CHOTZEN SYNDROME. Identifiers: Orphanet 794, MedGen C0175699, MONDO:0007042, OMIM 101400.

Allele frequency attached by ClinVar (database versions not stated): ESP Exome Variant Server 0.76672; gnomAD 0.76882; TOPMed 0.77496; gnomAD exomes 0.77709; 1000 Genomes Project 30x 0.78545; 1000 Genomes Project 0.79533.
gnomAD v4.1: 1,253,875 of 1,613,866 alleles (78%); highest among the groups gnomAD compares: East Asian, 90%; 488,287 homozygotes.

Submissions (14):

Women's Health and Genetics/Laboratory Corporation of America, LabCorp
Classification: Benign. Last evaluated: 2026-05-08. Review status: criteria provided, single submitter. Criteria: LabCorp Variant Classification Summary - May 2015. Collection method: clinical testing. Allele origin: germline.

Labcorp Genetics (formerly Invitae), Labcorp
Classification: Benign for FGFR2-related craniosynostosis. Last evaluated: 2026-02-04. Review status: criteria provided, single submitter. Criteria: Invitae Variant Classification Sherloc (09022015). Collection method: clinical testing. Allele origin: germline.

Blueprint Genetics
Classification: Benign. Last evaluated: 2024-11-27. Review status: criteria provided, single submitter. Criteria: ACMG Guidelines, 2015. Collection method: clinical testing. Allele origin: germline.

Mayo Clinic Laboratories, Mayo Clinic
Classification: Benign. Last evaluated: 2022-03-09. Review status: criteria provided, single submitter. Criteria: ACMG Guidelines, 2015. Collection method: clinical testing. Allele origin: germline. Observed: 228 variant alleles.

Illumina Laboratory Services, Illumina
Classification: Benign for Beare-Stevenson cutis gyrata syndrome. Last evaluated: 2018-01-13. Review status: criteria provided, single submitter. Criteria: ICSL Variant Classification Criteria 13 December 2019. Collection method: clinical testing. Allele origin: germline.
Comment: This variant was observed in the ICSL laboratory as part of a predisposition screen in an ostensibly healthy population. It had not been previously curated by ICSL or reported in the Human Gene Mutation Database (HGMD: prior to June 1st, 2018), and was therefore a candidate for classification through an automated scoring system. Utilizing variant allele frequency, disease prevalence and penetrance estimates, and inheritance mode, an automated score was calculated to assess if this variant is too frequent to cause the disease. Based on the score and internal cut-off values, a variant classified as benign is not then subjected to further curation. The score for this variant resulted in a classification of benign for this disease.

Illumina Laboratory Services, Illumina
Classification: Benign for Saethre-Chotzen syndrome. Last evaluated: 2018-01-13. Review status: criteria provided, single submitter. Criteria: ICSL Variant Classification Criteria 13 December 2019. Collection method: clinical testing. Allele origin: germline.
Comment: the same text as in the submission from Illumina Laboratory Services, Illumina above.

Illumina Laboratory Services, Illumina
Classification: Benign for Crouzon syndrome. Last evaluated: 2018-01-13. Review status: criteria provided, single submitter. Criteria: ICSL Variant Classification Criteria 13 December 2019. Collection method: clinical testing. Allele origin: germline.
Comment: the same text as in the submission from Illumina Laboratory Services, Illumina above.

Illumina Laboratory Services, Illumina
Classification: Benign for Isolated coronal synostosis. Last evaluated: 2018-01-13. Review status: criteria provided, single submitter. Criteria: ICSL Variant Classification Criteria 13 December 2019. Collection method: clinical testing. Allele origin: germline.
Comment: the same text as in the submission from Illumina Laboratory Services, Illumina above.

Illumina Laboratory Services, Illumina
Classification: Benign for Craniosynostosis. Last evaluated: 2018-01-13. Review status: criteria provided, single submitter. Criteria: ICSL Variant Classification Criteria 13 December 2019. Collection method: clinical testing. Allele origin: germline.
Comment: the same text as in the submission from Illumina Laboratory Services, Illumina above.

GeneDx
Classification: Benign. Last evaluated: 2016-03-03. Review status: criteria provided, single submitter. Criteria: GeneDx Variant Classification (06012015). Collection method: clinical testing. Allele origin: germline. Affected: yes.
Comment: This variant is considered likely benign or benign based on one or more of the following criteria: it is a conservative change, it occurs at a poorly conserved position in the protein, it is predicted to be benign by multiple in silico algorithms, and/or has population frequency not consistent with disease.

Breakthrough Genomics
Classification: Benign. Review status: criteria provided, single submitter. Criteria: ACMG Guidelines, 2015. Collection method: not provided. Allele origin: germline. Inheritance: Autosomal dominant inheritance. Affected: yes.

PreventionGenetics, part of Exact Sciences
Classification: Benign. Review status: criteria provided, single submitter. Criteria: ACMG Guidelines, 2015. Collection method: clinical testing. Allele origin: germline.

Diagnostic Laboratory, Department of Genetics, University Medical Center Groningen
Classification: Benign. Review status: no assertion criteria provided. Collection method: clinical testing. Allele origin: germline. Affected: yes. Study: VKGL Data-share Consensus. Not counted in ClinVar's aggregate classification.

Joint Genome Diagnostic Labs from Nijmegen and Maastricht, Radboudumc and MUMC+
Classification: Benign. Review status: no assertion criteria provided. Collection method: clinical testing. Allele origin: germline. Affected: yes. Study: VKGL Data-share Consensus. Not counted in ClinVar's aggregate classification.